The following is an entry in ClinVar:

NM_173689.7(CRB2):c.3061G>A (p.Gly1021Ser)

Gene: CRB2 (crumbs cell polarity complex component 2; plus strand). Cytogenetic location: 9q33.3.
Variant type: single nucleotide variant.
Coding change: c.3061G>A on transcript NM_173689.7 (MANE Select); coding-DNA position 3061, G replaced by A.
Protein change: p.Gly1021Ser; replaces glycine 1021 with serine.
Molecular consequence: missense variant. On other transcripts: non-coding transcript variant (1).
Genome position (GRCh38, 1-based): chr9:123,373,592, G>A. VCF-style: chr9-123373592-G-A. GRCh37 (hg19) VCF-style: chr9-126135871-G-A.
Other names: short protein forms G1021S.
Identifiers: ClinVar variation 1699896 (VCV001699896.2), dbSNP rs746687862, ClinGen allele CA5232347.

ClinVar aggregate classification (germline): Uncertain significance (1 of 4 stars; one submission).

Allele frequency attached by ClinVar (database versions not stated): gnomAD 0.00001; 1000 Genomes Project 30x 0.00031.
gnomAD v4.1: 2 of 1,431,746 alleles (0.00014%); highest among the groups gnomAD compares: Admixed American, 0.0051%; no homozygotes.

Submission:

GeneDx
Classification: Uncertain significance. Last evaluated: 2022-02-01. Review status: criteria provided, single submitter. Criteria: GeneDx Variant Classification Process June 2021. Collection method: clinical testing. Allele origin: germline. Affected: yes.
Comment: In silico analysis supports that this missense variant has a deleterious effect on protein structure/function; Has not been previously published as pathogenic or benign to our knowledge